The following is an entry in ClinVar:

NM_000133.4(F9):c.277+5G>A

Gene: F9 (coagulation factor IX; plus strand). Cytogenetic location: Xq27.1.
Variant type: single nucleotide variant.
Coding change: c.277+5G>A on transcript NM_000133.4 (MANE Select); 5 bases into the intron after coding-DNA position 277, G replaced by A.
Molecular consequence: intron variant.
Genome position (GRCh38, 1-based): chrX:139,537,391, G>A. VCF-style: chrX-139537391-G-A. GRCh37 (hg19) VCF-style: chrX-138619550-G-A.
Other names: c.277+5G>A (NM_001313913.2).
Identifiers: ClinVar variation 3068760 (VCV003068760.2), dbSNP rs1927508585, ClinGen allele CA2695236260.

ClinVar aggregate classification (germline): Likely pathogenic (1 of 4 stars; one submission).

Conditions:
Hereditary factor IX deficiency disease (HEMB). Also called: F9 DEFICIENCY; FACTOR IX DEFICIENCY; PLASMA THROMBOPLASTIN COMPONENT DEFICIENCY; Hemophilia B; Christmas Disease. Identifiers: Orphanet 98879, MedGen C0008533, MeSH D002836, MONDO:0010604, OMIM 306900.

Submission:

Women's Health and Genetics/Laboratory Corporation of America, LabCorp
Classification: Likely pathogenic for Hereditary factor IX deficiency disease. Last evaluated: 2024-02-08. Review status: criteria provided, single submitter. Criteria: LabCorp Variant Classification Summary - May 2015. Collection method: clinical testing. Allele origin: germline.
Comment: Variant summary: F9 c.277+5G>A alters a conserved nucleotide located close to a canonical splice site and therefore could affect mRNA splicing, leading to a significantly altered protein sequence. Several computational tools predict a significant impact on normal splicing: Two predict the variant abolishes a 5' splicing donor site. One predict the variant weakens a 5' donor site. However, these predictions have yet to be confirmed by functional studies. The variant was absent in 181450 control chromosomes (gnomAD database v4.0.0). c.277+5G>A has been reported in the literature in individuals affected with Factor IX Deficiency (Hemophilia B)(Giannelli_1996, Wulff_1999, Balraj_2012). Additionally, other variants at the same site (c.277+5G>C, c.277+5G>T) have been reported in the literture in individuals with Factor IX Deficiency. These data indicate that the variant is likely to be associated with disease. To our knowledge, no experimental evidence demonstrating an impact on protein function has been reported. The following publications have been ascertained in the context of this evaluation (PMID: 22870602, 8594556, 10698280). No submitters have cited clinical-significance assessments for this variant to ClinVar. Based on the evidence outlined above, the variant was classified as likely pathogenic.

Literature cited by the submitters: PubMed 8594556; PubMed 10698280; PubMed 22870602.